The following is an entry in ClinVar:

ClinVar aggregate classification (germline): Uncertain significance (1 of 4 stars; one submission).

Submission:

Labcorp Genetics (formerly Invitae), Labcorp
Classification: Uncertain significance. Last evaluated: 2022-07-16. Review status: criteria provided, single submitter. Criteria: Invitae Variant Classification Sherloc (09022015). Collection method: clinical testing. Allele origin: unknown.
Comment: A copy number gain of the genomic region encompassing the full coding sequence of the SAMD9L gene has been identified. The boundaries of this event are unknown as they extend beyond the assayed region for this gene and therefore may encompass additional genes. As the precise location of this event is unknown, it may be in tandem or it may be located elsewhere in the genome. This variant has not been reported in the literature in individuals affected with SAMD9L-related conditions. In summary, the available evidence is currently insufficient to determine the role of this variant in disease. Therefore, it has been classified as a Variant of Uncertain Significance.

NC_000007.13:g.(?_92730641)_(92765284_?)dup

Genes: SAMD9 (sterile alpha motif domain containing 9; minus strand), SAMD9L (sterile alpha motif domain containing 9 like; minus strand). Cytogenetic location: 7q21.2.
Variant type: Duplication.
Identifiers: ClinVar variation 3245936 (VCV003245936.1).